The following is an entry in ClinVar:

ClinVar aggregate classification (germline): Uncertain significance. Review status: criteria provided, single submitter (1 of 4 stars). 2 submissions from 2 submitters: Uncertain significance (1). 1 of the submissions does not count toward it. Last evaluated 2024-04-28.

Conditions:
WDPCP-related disorder. Also called: WDPCP-related condition.
Heart defect - tongue hamartoma - polysyndactyly syndrome. Also called: Congenital heart defects, hamartomas of tongue, and polysyndactyly. Identifiers: Orphanet 1338, MedGen C1857587, MONDO:0009008, OMIM 217085.
Bardet-Biedl syndrome 15 (BBS15). Identifiers: Orphanet 110, MedGen C3150127, MONDO:0014443, OMIM 615992.

gnomAD v4.1: 1 of 1,613,292 alleles (0.000062%); highest among the groups gnomAD compares: Non-Finnish European, 0.000085%; no homozygotes.

Submissions (2):

Fulgent Genetics
Classification: Uncertain significance for Heart defect - tongue hamartoma - polysyndactyly syndrome; Bardet-Biedl syndrome 15. Last evaluated: 2024-04-28. Review status: criteria provided, single submitter. Criteria: ACMG Guidelines, 2015. Collection method: clinical testing. Allele origin: germline.

PreventionGenetics, part of Exact Sciences
Classification: Uncertain significance for WDPCP-related condition. Last evaluated: 2024-07-16. Review status: no assertion criteria provided. Collection method: clinical testing. Allele origin: germline. Not counted in ClinVar's aggregate classification.
Comment: The WDPCP c.82G>T variant is predicted to result in the amino acid substitution p.Asp28Tyr. To our knowledge, this variant has not been reported in the literature or in a large population database, indicating this variant is rare. At this time, the clinical significance of this variant is uncertain due to the absence of conclusive functional and genetic evidence.

NM_015910.7(WDPCP):c.82G>T (p.Asp28Tyr)

Gene: WDPCP (WD repeat containing planar cell polarity effector; minus strand). Cytogenetic location: 2p15.
Variant type: single nucleotide variant.
Coding change: c.82G>T on transcript NM_015910.7 (MANE Select); coding-DNA position 82, G replaced by T.
Protein change: p.Asp28Tyr; replaces aspartic acid 28 with tyrosine.
Molecular consequence: missense variant. On other transcripts: non-coding transcript variant (2).
Genome position (GRCh38, 1-based): chr2:63,492,934, C>A on the plus strand (G>T on the coding strand, the complement: WDPCP is on the minus strand). VCF-style: chr2-63492934-C-A. GRCh37 (hg19) VCF-style: chr2-63720068-C-A.
Other names: c.10G>T, p.Asp4Tyr (NM_001354044.2); c.82G>T, p.Asp28Tyr (NM_001354045.2); short protein forms D28Y, D4Y.
Identifiers: ClinVar variation 3355916 (VCV003355916.2).